The following is an entry in ClinVar:

ClinVar aggregate classification (germline): Pathogenic (1 of 4 stars; one submission).

Conditions:
Autosomal recessive limb-girdle muscular dystrophy type 2O. Also called: Limb-Girdle Muscular Dystrophy Type 3C; MUSCULAR DYSTROPHY-DYSTROGLYCANOPATHY (LIMB-GIRDLE), TYPE C, 3; MUSCULAR DYSTROPHY-DYSTROGLYCANOPATHY, LIMB-GIRDLE, POMGNT1-RELATED. Identifiers: Orphanet 206564, MedGen C3150417, MONDO:0013161, OMIM 613157.
Muscular dystrophy-dystroglycanopathy (congenital with impaired intellectual development), type B, 3. Also called: MUSCULAR DYSTROPHY, CONGENITAL, POMGNT1-RELATED; Muscular dystrophy-dystroglycanopathy (congenital with intellectual disability), type B3. Identifiers: MedGen C3150412, MONDO:0013155, OMIM 613151.

Submission:

Labcorp Genetics (formerly Invitae), Labcorp
Classification: Pathogenic for Autosomal recessive limb-girdle muscular dystrophy type 2O; Muscular dystrophy-dystroglycanopathy (congenital with impaired intellectual development), type B, 3. Last evaluated: 2023-05-02. Review status: criteria provided, single submitter. Criteria: Invitae Variant Classification Sherloc (09022015). Collection method: clinical testing. Allele origin: germline.
Comment: For these reasons, this variant has been classified as Pathogenic. This variant has not been reported in the literature in individuals affected with POMGNT1-related conditions. This variant is not present in population databases (gnomAD no frequency). This sequence change creates a premature translational stop signal (p.Val576Glyfs*9) in the POMGNT1 gene. It is expected to result in an absent or disrupted protein product. Loss-of-function variants in POMGNT1 are known to be pathogenic (PMID: 19299310, 20816175, 21447391, 26908613, 27391550).

Literature cited by the submitters: PubMed 19299310; PubMed 20816175; PubMed 21447391; PubMed 26908613; PubMed 27391550.

NM_017739.4(POMGNT1):c.1725_1726del (p.Val576fs)

Genes: TSPAN1 (tetraspanin 1; plus strand), POMGNT1 (protein O-linked mannose N-acetylglucosaminyltransferase 1 (beta 1,2-); minus strand). Cytogenetic location: 1p34.1.
Variant type: Deletion.
Coding change: c.1725_1726del on transcript NM_017739.4 (MANE Select); coding-DNA positions 1725 to 1726, 2 bases deleted (CG; older notation c.1725_1726delCG).
Protein change: p.Val576fs; shifts the reading frame from valine 576.
Molecular consequence: frameshift variant.
Genome position (GRCh38, 1-based): chr1:46,189,913-46,189,914, CG deleted on the plus strand (CG on the coding strand, the reverse complement: POMGNT1 is on the minus strand). VCF-style (leftmost placement, unchanged base first): chr1-46189912-ACG-A. GRCh37 (hg19) VCF-style: chr1-46655584-ACG-A.
Other names: c.1725_1726del, p.Val576fs (NM_001243766.2, NM_001410783.1); c.1659_1660delCG, p.Val554Glyfs (NM_001290129.3); c.1296_1297del, p.Val433fs (NM_001290130.2); short protein forms V576fs, V433fs, V554fs.
Identifiers: ClinVar variation 2947427 (VCV002947427.3), dbSNP rs2525344095, ClinGen allele CA2740090691.